The following is an entry in ClinVar:

NM_004006.3(DMD):c.4846-153G>A

Gene: DMD (dystrophin; minus strand). Cytogenetic location: Xp21.1.
Variant type: single nucleotide variant.
Coding change: c.4846-153G>A on transcript NM_004006.3 (MANE Select); 153 bases into the intron before coding-DNA position 4846, G replaced by A.
Molecular consequence: intron variant.
Genome position (GRCh38, 1-based): chrX:32,365,352, C>T on the plus strand (G>A on the coding strand, the complement: DMD is on the minus strand). VCF-style: chrX-32365352-C-T. GRCh37 (hg19) VCF-style: chrX-32383469-C-T.
Other names: c.4822-153G>A (NM_000109.4); c.823-153G>A (NM_004011.4); c.814-153G>A (NM_004012.4); c.4834-153G>A (NM_004009.3); c.4477-153G>A (NM_004010.3).
Identifiers: ClinVar variation 672517 (VCV000672517.1), dbSNP rs5927976, ClinGen allele CA327995848.

ClinVar aggregate classification (germline): Benign (1 of 4 stars; one submission).

Allele frequency attached by ClinVar (database versions not stated): gnomAD 0.68671; TOPMed 0.69706; 1000 Genomes Project 0.74305; 1000 Genomes Project 30x 0.74776.

Submission:

GeneDx
Classification: Benign. Last evaluated: 2018-06-14. Review status: criteria provided, single submitter. Criteria: GeneDx Variant Classification (06012015). Collection method: clinical testing. Allele origin: germline. Affected: yes.
Comment: This variant is considered likely benign or benign based on one or more of the following criteria: it is a conservative change, it occurs at a poorly conserved position in the protein, it is predicted to be benign by multiple in silico algorithms, and/or has population frequency not consistent with disease.